The following is an entry in ClinVar:

ClinVar aggregate classification (germline): Likely pathogenic (1 of 4 stars; one submission).

Conditions:
Popliteal pterygium syndrome (PPS). Identifiers: Orphanet 294963, MedGen C0265259, MONDO:0017435.
Van der Woude syndrome. Identifiers: Orphanet 888, MedGen C0175697, MONDO:0019508.
Orofacial cleft 6, susceptibility to (OFC6). Also called: CLEFT LIP WITH OR WITHOUT CLEFT PALATE, NONSYNDROMIC, 6. Identifiers: MedGen C1837213, MONDO:0012141, OMIM 608864.

Submission:

Labcorp Genetics (formerly Invitae), Labcorp
Classification: Likely pathogenic for Orofacial cleft 6, susceptibility to; Van der Woude syndrome; Popliteal pterygium syndrome. Last evaluated: 2023-07-07. Review status: criteria provided, single submitter. Criteria: Invitae Variant Classification Sherloc (09022015). Collection method: clinical testing. Allele origin: germline.
Comment: In summary, the currently available evidence indicates that the variant is pathogenic, but additional data are needed to prove that conclusively. Therefore, this variant has been classified as Likely Pathogenic. This variant disrupts the p.Ile110 amino acid residue in IRF6. Other variant(s) that disrupt this residue have been observed in individuals with IRF6-related conditions (PMID: 19282774, 19536562), which suggests that this may be a clinically significant amino acid residue. Advanced modeling of protein sequence and biophysical properties (such as structural, functional, and spatial information, amino acid conservation, physicochemical variation, residue mobility, and thermodynamic stability) performed at Invitae indicates that this missense variant is expected to disrupt IRF6 protein function. This missense change has been observed in individuals with Van der Woude syndrome (PMID: 19536562; Invitae). It has also been observed to segregate with disease in related individuals. This variant is not present in population databases (gnomAD no frequency). This sequence change replaces isoleucine, which is neutral and non-polar, with threonine, which is neutral and polar, at codon 110 of the IRF6 protein (p.Ile110Thr).

Literature cited by the submitters: PubMed 19282774; PubMed 19536562.

NM_006147.4(IRF6):c.329T>C (p.Ile110Thr)

Gene: IRF6 (interferon regulatory factor 6; minus strand). Cytogenetic location: 1q32.2.
Variant type: single nucleotide variant.
Coding change: c.329T>C on transcript NM_006147.4 (MANE Select); coding-DNA position 329, T replaced by C.
Protein change: p.Ile110Thr; replaces isoleucine 110 with threonine.
Molecular consequence: missense variant.
Genome position (GRCh38, 1-based): chr1:209,796,398, A>G on the plus strand (T>C on the coding strand, the complement: IRF6 is on the minus strand). VCF-style: chr1-209796398-A-G. GRCh37 (hg19) VCF-style: chr1-209969743-A-G.
Other names: c.44T>C, p.Ile15Thr (NM_001206696.2); short protein forms I110T, I15T.
Identifiers: ClinVar variation 2925310 (VCV002925310.3), dbSNP rs2464683464, ClinGen allele CA344582928.